The following is an entry in ClinVar:

NM_022788.5(P2RY12):c.669G>A (p.Thr223=)

Genes: MED12L (mediator complex subunit 12L; plus strand), P2RY12 (purinergic receptor P2Y12; minus strand). Cytogenetic location: 3q25.1.
Variant type: single nucleotide variant.
Coding change: c.669G>A on transcript NM_022788.5 (MANE Select); coding-DNA position 669, G replaced by A.
Protein change: p.Thr223=; no amino-acid change (threonine 223 retained).
Molecular consequence: synonymous variant. On other transcripts: intron variant (2).
Genome position (GRCh38, 1-based): chr3:151,338,177, C>T on the plus strand (G>A on the coding strand, the complement: P2RY12 is on the minus strand). VCF-style: chr3-151338177-C-T. GRCh37 (hg19) VCF-style: chr3-151055965-C-T.
Other names: p.Thr223=; c.669G>A, p.Thr223= (NM_176876.3); c.2251-11882C>T (NM_001393769.1); c.2146-11882C>T (NM_053002.6).
Identifiers: ClinVar variation 2753143 (VCV002753143.7), dbSNP rs112155006, ClinGen allele CA2667821.

ClinVar aggregate classification (germline): Likely benign. Review status: criteria provided, multiple submitters, no conflicts (2 of 4 stars). 4 submissions from 4 submitters: Likely benign (3). 1 of the submissions does not count toward it. Last evaluated 2026-01-25.

Conditions:
P2RY12-related disorder. Also called: P2RY12-related condition.

Allele frequency attached by ClinVar (database versions not stated): ExAC 0.00009; gnomAD 0.00020; gnomAD exomes 0.00021; TOPMed 0.00031; ESP Exome Variant Server 0.00038.
gnomAD v4.1: 355 of 1,614,002 alleles (0.022%); highest among the groups gnomAD compares: African/African-American, 0.075%; no homozygotes.

Submissions (4):

Labcorp Genetics (formerly Invitae), Labcorp
Classification: Likely benign. Last evaluated: 2026-01-25. Review status: criteria provided, single submitter. Criteria: Invitae Variant Classification Sherloc (09022015). Collection method: clinical testing. Allele origin: germline.

Mayo Clinic Laboratories, Mayo Clinic
Classification: Likely benign. Last evaluated: 2025-08-18. Review status: criteria provided, single submitter. Criteria: ACMG Guidelines, 2015. Collection method: clinical testing. Allele origin: germline. Observed: 1 variant allele.
Comment: BP4, BP7

Blueprint Genetics
Classification: Likely benign. Last evaluated: 2024-07-01. Review status: criteria provided, single submitter. Criteria: ACMG Guidelines, 2015. Collection method: clinical testing. Allele origin: germline.

PreventionGenetics, part of Exact Sciences
Classification: Likely benign for P2RY12-related condition. Last evaluated: 2019-03-22. Review status: no assertion criteria provided. Collection method: clinical testing. Allele origin: germline. Not counted in ClinVar's aggregate classification.
Comment: This variant is classified as likely benign based on ACMG/AMP sequence variant interpretation guidelines (Richards et al. 2015 PMID: 25741868, with internal and published modifications).